The following is an entry in ClinVar:

ClinVar aggregate classification (germline): Uncertain significance (1 of 4 stars; one submission).

gnomAD v4.1: 3 of 1,611,694 alleles (0.00019%); highest among the groups gnomAD compares: South Asian, 0.0011%; no homozygotes.

Submission:

Labcorp Genetics (formerly Invitae), Labcorp
Classification: Uncertain significance. Last evaluated: 2024-10-31. Review status: criteria provided, single submitter. Criteria: Invitae Variant Classification Sherloc (09022015). Collection method: clinical testing. Allele origin: germline.
Comment: This sequence change replaces serine, which is neutral and polar, with leucine, which is neutral and non-polar, at codon 522 of the NACC1 protein (p.Ser522Leu). This variant is present in population databases (no rsID available, gnomAD 0.0009%). This variant has not been reported in the literature in individuals affected with NACC1-related conditions. Invitae Evidence Modeling of protein sequence and biophysical properties (such as structural, functional, and spatial information, amino acid conservation, physicochemical variation, residue mobility, and thermodynamic stability) indicates that this missense variant is not expected to disrupt NACC1 protein function with a negative predictive value of 80%. In summary, the available evidence is currently insufficient to determine the role of this variant in disease. Therefore, it has been classified as a Variant of Uncertain Significance.

NM_052876.4(NACC1):c.1565C>T (p.Ser522Leu)

Gene: NACC1 (nucleus accumbens associated 1; plus strand). Cytogenetic location: 19p13.13.
Variant type: single nucleotide variant.
Coding change: c.1565C>T on transcript NM_052876.4 (MANE Select); coding-DNA position 1565, C replaced by T.
Protein change: p.Ser522Leu; replaces serine 522 with leucine.
Molecular consequence: missense variant.
Genome position (GRCh38, 1-based): chr19:13,138,387, C>T. VCF-style: chr19-13138387-C-T. GRCh37 (hg19) VCF-style: chr19-13249201-C-T.
Other names: short protein forms S522L.
Identifiers: ClinVar variation 3679764 (VCV003679764.2).